The following is an entry in ClinVar:

ClinVar aggregate classification (germline): Pathogenic (1 of 4 stars; one submission).

Conditions:
Heart and brain malformation syndrome (HBMS). Identifiers: MedGen C4310793, MONDO:0014833, OMIM 616920.

Submission:

Women's Health and Genetics/Laboratory Corporation of America, LabCorp
Classification: Pathogenic for Heart and brain malformation syndrome. Last evaluated: 2023-12-15. Review status: criteria provided, single submitter. Criteria: LabCorp Variant Classification Summary - May 2015. Collection method: clinical testing. Allele origin: germline.
Comment: Variant summary: The variant involves the deletion of exons 1-14 in the C19orf61 gene. A presumed nomenclature of c.(?_-316)_(*3614_?)del has been designated for the purposes of this classification. This deletion includes the entire coding sequence of the gene. As the exact proximal and distal breakpoints are unknown, it may extend beyond the annotated region of the gene to include other flanking genes. The variant was absent in 21694 control chromosomes (gnomAD, structural variants dataset). To our knowledge, no occurrence of c.(?_-316)_(*3614_?)del in individuals affected with Heart And Brain Malformation Syndrome and no experimental evidence demonstrating its impact on protein function have been reported. No submitters have cited clinical-significance assessments for this variant to ClinVar after 2014. Based on the evidence outlined above, the variant was classified as pathogenic.

NC_000019.9:g.(?_44232134)_(44259115_?)del

Gene: SMG9 (SMG9 nonsense mediated mRNA decay factor; minus strand). Cytogenetic location: 19q13.31.
Variant type: Deletion.
Identifiers: ClinVar variation 2691293 (VCV002691293.1).